The following is an entry in ClinVar:

ClinVar aggregate classification (germline): Pathogenic. Review status: criteria provided, multiple submitters, no conflicts (2 of 4 stars). 4 submissions from 4 submitters: Pathogenic (3). 1 of the submissions does not count toward it. Last evaluated 2025-01-17.

Conditions:
ABCA4-related disorder. Also called: ABCA4-related disorders; ABCA4-related condition. Identifiers: MedGen CN239167.

Allele frequency attached by ClinVar (database versions not stated): TOPMed 0.00001.
gnomAD v4.1: 13 of 1,614,106 alleles (0.00081%); highest among the groups gnomAD compares: South Asian, 0.0011%; no homozygotes.

Submissions (4):

Labcorp Genetics (formerly Invitae), Labcorp
Classification: Pathogenic. Last evaluated: 2025-01-17. Review status: criteria provided, single submitter. Criteria: Invitae Variant Classification Sherloc (09022015). Collection method: clinical testing. Allele origin: germline.
Comment: This sequence change creates a premature translational stop signal (p.Glu1252*) in the ABCA4 gene. It is expected to result in an absent or disrupted protein product. Loss-of-function variants in ABCA4 are known to be pathogenic (PMID: 10958761, 24938718, 25312043, 26780318). This variant is present in population databases (rs61752423, gnomAD 0.003%). This premature translational stop signal has been observed in individual(s) with Stargardt disease (internal data). ClinVar contains an entry for this variant (Variation ID: 99238). For these reasons, this variant has been classified as Pathogenic.

GeneDx
Classification: Pathogenic. Last evaluated: 2024-03-21. Review status: criteria provided, single submitter. Criteria: GeneDx Variant Classification Process June 2021. Collection method: clinical testing. Allele origin: germline. Affected: yes.
Comment: Observed in the heterozygous state in two patients with Stargardt disease reported in the published literature, but a second ABCA4 variant was not identified in either case (PMID: 9781034, 24677105); Nonsense variant predicted to result in protein truncation or nonsense mediated decay in a gene for which loss of function is a known mechanism of disease; Not observed at significant frequency in large population cohorts (gnomAD); This variant is associated with the following publications: (PMID: 24677105, 9781034)

Blueprint Genetics
Classification: Pathogenic for ABCA4-related disorders. Last evaluated: 2020-07-08. Review status: criteria provided, single submitter. Criteria: ACMG Guidelines, 2015. Collection method: clinical testing. Allele origin: germline. Affected: yes. Observed: 4 variant alleles.

Retina International
No classification provided. Review status: no classification provided. Collection method: not provided. Allele origin: not provided. Not counted in ClinVar's aggregate classification.

Literature cited by the submitters: PubMed 10958761 (cited by Labcorp Genetics (formerly Invitae), Labcorp); PubMed 24938718 (cited by Labcorp Genetics (formerly Invitae), Labcorp); PubMed 25312043 (cited by Labcorp Genetics (formerly Invitae), Labcorp); PubMed 26780318 (cited by Labcorp Genetics (formerly Invitae), Labcorp).

NM_000350.3(ABCA4):c.3754G>T (p.Glu1252Ter)

Genes: ABCA4 (ATP binding cassette subfamily A member 4; minus strand), LOC126805794 (BRD4-independent group 4 enhancer GRCh37_chr1:94502188-94503387; plus strand). Cytogenetic location: 1p22.1.
Variant type: single nucleotide variant.
Coding change: c.3754G>T on transcript NM_000350.3 (MANE Select); coding-DNA position 3754, G replaced by T.
Protein change: p.Glu1252Ter; replaces glutamic acid 1252 with a stop codon.
Molecular consequence: nonsense.
Genome position (GRCh38, 1-based): chr1:94,037,204, C>A on the plus strand (G>T on the coding strand, the complement: ABCA4 is on the minus strand). VCF-style: chr1-94037204-C-A. GRCh37 (hg19) VCF-style: chr1-94502760-C-A.
Other names: c.3532G>T, p.Glu1178Ter (NM_001425324.1); short protein forms E1252*, E1178*.
Identifiers: ClinVar variation 99238 (VCV000099238.15), dbSNP rs61752423, ClinGen allele CA227133.